The following is an entry in ClinVar:

ClinVar aggregate classification (germline): Uncertain significance (1 of 4 stars; one submission).

Conditions:
Spastic paraplegia. Identifiers: MedGen C0037772, HP:0001258.

Submission:

Labcorp Genetics (formerly Invitae), Labcorp
Classification: Uncertain significance for Spastic paraplegia. Last evaluated: 2023-12-11. Review status: criteria provided, single submitter. Criteria: Invitae Variant Classification Sherloc (09022015). Collection method: clinical testing. Allele origin: germline.
Comment: This sequence change replaces glutamine, which is neutral and polar, with histidine, which is basic and polar, at codon 713 of the KIF5A protein (p.Gln713His). This variant is not present in population databases (gnomAD no frequency). This variant has not been reported in the literature in individuals affected with KIF5A-related conditions. ClinVar contains an entry for this variant (Variation ID: 1443316). Advanced modeling of protein sequence and biophysical properties (such as structural, functional, and spatial information, amino acid conservation, physicochemical variation, residue mobility, and thermodynamic stability) has been performed at Invitae for this missense variant, however the output from this modeling did not meet the statistical confidence thresholds required to predict the impact of this variant on KIF5A protein function. In summary, the available evidence is currently insufficient to determine the role of this variant in disease. Therefore, it has been classified as a Variant of Uncertain Significance.

NM_004984.4(KIF5A):c.2139G>C (p.Gln713His)

Gene: KIF5A (kinesin family member 5A; plus strand). Cytogenetic location: 12q13.3.
Variant type: single nucleotide variant.
Coding change: c.2139G>C on transcript NM_004984.4 (MANE Select); coding-DNA position 2139, G replaced by C.
Protein change: p.Gln713His; replaces glutamine 713 with histidine.
Molecular consequence: missense variant.
Genome position (GRCh38, 1-based): chr12:57,576,319, G>C. VCF-style: chr12-57576319-G-C. GRCh37 (hg19) VCF-style: chr12-57970102-G-C.
Other names: c.1872G>C, p.Gln624His (NM_001354705.2); short protein forms Q624H, Q713H.
Identifiers: ClinVar variation 1443316 (VCV001443316.6), dbSNP rs2140168258, ClinGen allele CA385511306.